The following is an entry in ClinVar:

NM_006944.3(SPP2):c.588_597delinsAG (p.Tyr197fs)

Gene: SPP2 (secreted phosphoprotein 2; plus strand). Cytogenetic location: 2q37.1.
Variant type: Indel.
Coding change: c.588_597delinsAG on transcript NM_006944.3 (MANE Select); coding-DNA positions 588 to 597, GTACCCAAAC replaced by AG.
Protein change: p.Tyr197fs; shifts the reading frame from tyrosine 197.
Molecular consequence: frameshift variant.
Genome position (GRCh38, 1-based): chr2:234,069,965-234,069,974, GTACCCAAAC replaced by AG. VCF-style: chr2-234069965-GTACCCAAAC-AG. GRCh37 (hg19) VCF-style: chr2-234978609-GTACCCAAAC-AG.
Other names: short protein forms Y197fs.
Identifiers: ClinVar variation 4775509 (VCV004775509.1).

ClinVar aggregate classification (germline): Uncertain significance (1 of 4 stars; one submission).

Submission:

Labcorp Genetics (formerly Invitae), Labcorp
Classification: Uncertain significance. Last evaluated: 2020-12-30. Review status: criteria provided, single submitter. Criteria: Invitae Variant Classification Sherloc (09022015). Collection method: clinical testing. Allele origin: germline.
Comment: Experimental studies and prediction algorithms are not available or were not evaluated, and the functional significance of this variant is currently unknown. In summary, the available evidence is currently insufficient to determine the role of this variant in disease. Therefore, it has been classified as a Variant of Uncertain Significance. This variant has not been reported in the literature in individuals with SPP2-related conditions. The frequency data for this variant in the population databases is considered unreliable, as metrics indicate poor data quality at this position in the ExAC database. This sequence change creates a premature translational stop signal (p.Tyr197Alafs*10) in the SPP2 gene. While this is not anticipated to result in nonsense mediated decay, it is expected to disrupt the last 14 amino acid(s) of the SPP2 protein.